The following is an entry in ClinVar:

ClinVar aggregate classification (germline): Uncertain significance. Review status: criteria provided, multiple submitters, no conflicts (2 of 4 stars). 3 submissions from 3 submitters: Uncertain significance (3). Last evaluated 2025-12-26.

Conditions:
Arrhythmogenic right ventricular dysplasia 5. Also called: Arrhythmogenic Right Ventricular Dysplasia/Cardiomyopathy 5; ARRHYTHMOGENIC RIGHT VENTRICULAR DYSPLASIA, FAMILIAL, 5. Identifiers: MedGen C1858379, MONDO:0011459, OMIM 604400.
Cardiovascular phenotype. Identifiers: MedGen CN230736.

Submissions (3):

Labcorp Genetics (formerly Invitae), Labcorp
Classification: Uncertain significance for Arrhythmogenic right ventricular dysplasia 5. Last evaluated: 2025-12-26. Review status: criteria provided, single submitter. Criteria: Invitae Variant Classification Sherloc (09022015). Collection method: clinical testing. Allele origin: germline.
Comment: This sequence change replaces tyrosine, which is neutral and polar, with serine, which is neutral and polar, at codon 371 of the TMEM43 protein (p.Tyr371Ser). This variant is present in population databases (rs752269639, gnomAD 0.01%). This variant has not been reported in the literature in individuals affected with TMEM43-related conditions. ClinVar contains an entry for this variant (Variation ID: 1053420). Invitae Evidence Modeling of protein sequence and biophysical properties (such as structural, functional, and spatial information, amino acid conservation, physicochemical variation, residue mobility, and thermodynamic stability) indicates that this missense variant is not expected to disrupt TMEM43 protein function with a negative predictive value of 80%. In summary, the available evidence is currently insufficient to determine the role of this variant in disease. Therefore, it has been classified as a Variant of Uncertain Significance.

All of Us Research Program, National Institutes of Health
Classification: Uncertain significance for Arrhythmogenic right ventricular dysplasia 5. Last evaluated: 2024-05-14. Review status: criteria provided, single submitter. Criteria: ACMG Guidelines, 2015. Collection method: clinical testing. Allele origin: germline. Inheritance: Autosomal dominant inheritance. Observed: 3 variant alleles, 3 heterozygotes.
Comment: This missense variant replaces tyrosine with serine at codon 371 of the TMEM43 protein. Computational prediction is inconclusive regarding the impact of this variant on protein structure and function (internally defined REVEL score threshold 0.5 < inconclusive < 0.7, PMID: 27666373). To our knowledge, functional studies have not been reported for this variant. This variant has not been reported in individuals affected with TMEM43-related disorders in the literature. This variant has been identified in 2/251392 chromosomes in the general population by the Genome Aggregation Database (gnomAD). The available evidence is insufficient to determine the role of this variant in disease conclusively. Therefore, this variant is classified as a Variant of Uncertain Significance.

This study involves interpretation of variants in research participants for the purpose of population health screening. Participant phenotype was not available at the time of variant classification. Additional details can be found in publication PMID: 35346344, PMCID: PMC8962531

Ambry Genetics
Classification: Uncertain significance for Cardiovascular phenotype. Last evaluated: 2018-03-21. Review status: criteria provided, single submitter. Criteria: Ambry Variant Classification Scheme 2023. Collection method: clinical testing. Allele origin: germline.
Comment: The p.Y371S variant (also known as c.1112A>C), located in coding exon 12 of the TMEM43 gene, results from an A to C substitution at nucleotide position 1112. The tyrosine at codon 371 is replaced by serine, an amino acid with dissimilar properties. This amino acid position is highly conserved in available vertebrate species. In addition, this alteration is predicted to be deleterious by in silico analysis. Since supporting evidence is limited at this time, the clinical significance of this alteration remains unclear.

NM_024334.3(TMEM43):c.1112A>C (p.Tyr371Ser)

Gene: TMEM43 (transmembrane protein 43; plus strand). Cytogenetic location: 3p25.1.
Variant type: single nucleotide variant.
Coding change: c.1112A>C on transcript NM_024334.3 (MANE Select); coding-DNA position 1112, A replaced by C.
Protein change: p.Tyr371Ser; replaces tyrosine 371 with serine.
Molecular consequence: missense variant.
Genome position (GRCh38, 1-based): chr3:14,141,704, A>C. VCF-style: chr3-14141704-A-C. GRCh37 (hg19) VCF-style: chr3-14183204-A-C.
Other names: short protein forms Y371S.
Identifiers: ClinVar variation 1053420 (VCV001053420.11), dbSNP rs752269639, ClinGen allele CA051230.
Genomic context (GRCh38, chr3:14,141,704, plus strand): 5'-TTGCCTTCTGTGTGGCCACCTCGCTGACCCTGCTGACCGTGGCGGCTGGCTGGCTCTTCT[A>C]CCGACCCCTGTGGGCCCTCCTCATTGCCGGCCTGGCCCTTGTGCCCATCCTTGTTGCTCG-3'
Protein context (NP_077310.1, residues 361-381): LLTVAAGWLF[Tyr371Ser]RPLWALLIAG